The following is an entry in ClinVar:

NM_003000.3(SDHB):c.54T>C (p.Leu18=)

Genes: SDHB (succinate dehydrogenase complex iron sulfur subunit B; minus strand), LOC129929542 (ATAC-STARR-seq lymphoblastoid active region 277; plus strand). Cytogenetic location: 1p36.13.
Variant type: single nucleotide variant.
Coding change: c.54T>C on transcript NM_003000.3 (MANE Select); coding-DNA position 54, T replaced by C.
Protein change: p.Leu18=; no amino-acid change (leucine 18 retained).
Molecular consequence: synonymous variant.
Genome position (GRCh38, 1-based): chr1:17,053,966, A>G on the plus strand (T>C on the coding strand, the complement: SDHB is on the minus strand). VCF-style: chr1-17053966-A-G. GRCh37 (hg19) VCF-style: chr1-17380461-A-G.
Identifiers: ClinVar variation 703175 (VCV000703175.12), dbSNP rs759446168, ClinGen allele CA416048714.

ClinVar aggregate classification (germline): Benign/Likely benign. Review status: criteria provided, multiple submitters, no conflicts (2 of 4 stars). 3 submissions from 3 submitters: Benign (1); Likely benign (2). Last evaluated 2025-05-12.

Conditions:
Gastrointestinal stromal tumor. Also called: Gastrointestinal stromal tumor, somatic; Gastrointestinal stroma tumor. Identifiers: Orphanet 44890, MedGen C0238198, MeSH D046152, MONDO:0011719, OMIM 606764, HP:0100723.
Pheochromocytoma/paraganglioma syndrome 4. Also called: SDHB-Related Hereditary Paraganglioma-Pheochromocytoma Syndrome (Paragangliomas 4); SDHB-Related Hereditary Paraganglioma-Pheochromocytoma Syndrome; CAROTID BODY TUMORS AND MULTIPLE EXTRAADRENAL PHEOCHROMOCYTOMAS; PARAGANGLIOMA, FAMILIAL MALIGNANT; PARAGANGLIOMAS, HEREDITARY EXTRAADRENAL; PHEOCHROMOCYTOMA, FAMILIAL EXTRAADRENAL. Identifiers: Orphanet 29072, MedGen C1861848, MONDO:0007273, OMIM 115310.
Pheochromocytoma. Also called: MAX-Related Hereditary Paraganglioma-Pheochromocytoma Syndrome. Identifiers: Orphanet 29072, MedGen C0031511, MONDO:0008233, OMIM 171300, HP:0002666.
Hereditary cancer-predisposing syndrome. Also called: Neoplastic Syndromes, Hereditary; Hereditary Cancer Syndrome; Hereditary neoplastic syndrome; Tumor predisposition. Identifiers: Orphanet 140162, MedGen C0027672, MeSH D009386, MONDO:0015356.

gnomAD v4.1: 2 of 1,613,094 alleles (0.00012%); highest among the groups gnomAD compares: Admixed American, 0.0017%; no homozygotes.

Submissions (3):

Labcorp Genetics (formerly Invitae), Labcorp
Classification: Likely benign for Gastrointestinal stromal tumor; Pheochromocytoma/paraganglioma syndrome 4; Pheochromocytoma. Last evaluated: 2025-05-12. Review status: criteria provided, single submitter. Criteria: Invitae Variant Classification Sherloc (09022015). Collection method: clinical testing. Allele origin: germline.

Myriad Genetics, Inc.
Classification: Benign for Pheochromocytoma/paraganglioma syndrome 4. Last evaluated: 2025-03-12. Review status: criteria provided, single submitter. Criteria: Myriad Autosomal Dominant, Autosomal Recessive and X-Linked Classification Criteria (2023). Collection method: clinical testing. Allele origin: unknown.
Comment: This variant is considered benign. This variant is a silent/synonymous amino acid change and it is not expected to impact splicing.

Ambry Genetics
Classification: Likely benign for Hereditary cancer-predisposing syndrome. Last evaluated: 2018-09-04. Review status: criteria provided, single submitter. Criteria: Ambry Variant Classification Scheme 2023. Collection method: clinical testing. Allele origin: germline.